The following is an entry in ClinVar:

NC_000001.11:g.222617956_222617960C[4]GTCCCCG[1]

Gene: MIA3 (MIA SH3 domain ER export factor 3; plus strand). Cytogenetic location: 1q41.
Variant type: Microsatellite.
Genome position: GRCh38 VCF-style: chr1-222617955-C-CCCCCGT. GRCh37 (hg19) VCF-style: chr1-222791297-C-CCCCCGT.
Identifiers: ClinVar variation 2639913 (VCV002639913.24), dbSNP rs1253060586.

ClinVar aggregate classification (germline): Likely benign (1 of 4 stars; one submission).

Submission:

CeGaT Center for Human Genetics Tuebingen
Classification: Likely benign. Last evaluated: 2023-04-01. Review status: criteria provided, single submitter. Criteria: CeGaT Center For Human Genetics Tuebingen Variant Classification Criteria Version 2. Collection method: clinical testing. Allele origin: germline. Affected: yes. Observed: 1 variant allele.
Comment: MIA3: BS1